The following is an entry in ClinVar:

NM_013275.6(ANKRD11):c.521G>T (p.Arg174Leu)

Gene: ANKRD11 (ankyrin repeat domain 11; minus strand). Cytogenetic location: 16q24.3.
Variant type: single nucleotide variant.
Coding change: c.521G>T on transcript NM_013275.6 (MANE Select); coding-DNA position 521, G replaced by T.
Protein change: p.Arg174Leu; replaces arginine 174 with leucine.
Molecular consequence: missense variant. On other transcripts: non-coding transcript variant (1).
Genome position (GRCh38, 1-based): chr16:89,290,705, C>A on the plus strand (G>T on the coding strand, the complement: ANKRD11 is on the minus strand). VCF-style: chr16-89290705-C-A. GRCh37 (hg19) VCF-style: chr16-89357113-C-A.
Other names: c.521G>T, p.Arg174Leu (NM_001256182.2, NM_001256183.2); short protein forms R174L.
Identifiers: ClinVar variation 1029216 (VCV001029216.1), dbSNP rs1258661652, ClinGen allele CA397167272.
Genomic context (GRCh38, chr16:89,290,705, plus strand): 5'-ACGTCTGCCCCCTCGCTGATGAGCTCTTTGATGCGCCGGGCGTCCCCGCGGATGGCGGCT[C>A]GGTGCAGGCGGGTCTCTCCACGCTCGTTTCTCTTGTTCACTTTATCTTTGGTTTTTGAGG-3'
Protein context (NP_037407.4, residues 164-184): RNERGETRLH[Arg174Leu]AAIRGDARRI

ClinVar aggregate classification (germline): Uncertain significance (1 of 4 stars; one submission).

Conditions:
KBG syndrome (KBGS). Also called: ANKRD11-Related KBG Syndrome. Identifiers: Orphanet 2332, MedGen C0220687, MONDO:0007846, OMIM 148050.

Allele frequency attached by ClinVar (database versions not stated): gnomAD exomes below 0.00001.
gnomAD v4.1: 1 of 1,614,078 alleles (0.000062%); highest among the groups gnomAD compares: Non-Finnish European, 0.000085%; no homozygotes.

Submission:

Baylor Genetics
Classification: Uncertain significance for KBG syndrome. Last evaluated: 2019-02-04. Review status: criteria provided, single submitter. Criteria: ACMG Guidelines, 2015. Collection method: clinical testing. Allele origin: maternal. Affected: yes.
Comment: This variant was determined to be of uncertain significance according to ACMG Guidelines, 2015 [PMID:25741868].